The following is an entry in ClinVar:

NM_000179.3(MSH6):c.1559delinsTAC (p.Gly520fs)

Gene: MSH6 (mutS homolog 6; plus strand). Cytogenetic location: 2p16.3.
Variant type: Indel.
Coding change: c.1559delinsTAC on transcript NM_000179.3 (MANE Select); coding-DNA position 1559, G replaced by TAC.
Protein change: p.Gly520fs; shifts the reading frame from glycine 520.
Molecular consequence: frameshift variant. On other transcripts: non-coding transcript variant (4), intron variant (1).
Genome position (GRCh38, 1-based): chr2:47,799,542, G replaced by TAC. VCF-style: chr2-47799542-G-TAC. GRCh37 (hg19) VCF-style: chr2-48026681-G-TAC.
Other names: c.1169delinsTAC, p.Gly390fs (NM_001281492.2); c.653delinsTAC, p.Gly218fs (NM_001281493.2, NM_001281494.2, NM_001406811.1 and 6 more transcripts); c.1655delinsTAC, p.Gly552fs (NM_001406795.1, NM_001406802.1); c.1559delinsTAC, p.Gly520fs (NM_001406796.1, NM_001406798.1, NM_001406800.1 and 4 more transcripts); c.1262delinsTAC, p.Gly421fs (NM_001406797.1, NM_001406801.1, NM_001406805.1 and 10 more transcripts); c.1034delinsTAC, p.Gly345fs (NM_001406799.1, NM_001406806.1, NM_001406807.1); c.1481delinsTAC, p.Gly494fs (NM_001406804.1); c.1565delinsTAC, p.Gly522fs (NM_001406813.1); and 2 more; short protein forms G345fs, G421fs, G464fs, G520fs, G522fs, G494fs, G390fs, G218fs.
Identifiers: ClinVar variation 3148653 (VCV003148653.2), dbSNP rs2530616277, ClinGen allele CA2825001118.

ClinVar aggregate classification (germline): Pathogenic. Review status: criteria provided, multiple submitters, no conflicts (2 of 4 stars). 2 submissions from 2 submitters: Pathogenic (2). Last evaluated 2025-11-18.

Conditions:
Lynch syndrome 5 (LYNCH5). Also called: Colorectal cancer, hereditary nonpolyposis, type 5; Hereditary non-polyposis colorectal cancer, type 5. Identifiers: Orphanet 144, MedGen C1833477, MONDO:0013710, OMIM 614350. Disease mechanism: loss of function.
Hereditary cancer-predisposing syndrome. Also called: Neoplastic Syndromes, Hereditary; Tumor predisposition; Hereditary neoplastic syndrome; Hereditary Cancer Syndrome. Identifiers: Orphanet 140162, MedGen C0027672, MeSH D009386, MONDO:0015356.

Submissions (2):

Ambry Genetics
Classification: Pathogenic for Hereditary cancer-predisposing syndrome. Last evaluated: 2025-11-18. Review status: criteria provided, single submitter. Criteria: Ambry Variant Classification Scheme 2023. Collection method: clinical testing. Allele origin: germline.
Comment: The c.1559delGinsTAC pathogenic mutation, located in coding exon 4 of the MSH6 gene, results from the deletion of one nucleotide and insertion of 3 nucleotides causing a translational frameshift with a predicted alternate stop codon (p.G520Vfs*52). This variant is considered to be rare based on population cohorts in the Genome Aggregation Database (gnomAD). This alteration is expected to result in loss of function by premature protein truncation or nonsense-mediated mRNA decay. As such, this alteration is interpreted as a disease-causing mutation.

Myriad Genetics, Inc.
Classification: Pathogenic for Lynch syndrome 5. Last evaluated: 2023-12-19. Review status: criteria provided, single submitter. Criteria: Myriad Autosomal Dominant, Autosomal Recessive and X-Linked Classification Criteria (2023). Collection method: clinical testing. Allele origin: unknown.
Comment: This variant is considered pathogenic. This variant creates a frameshift predicted to result in premature protein truncation.